The following is an entry in ClinVar:

ClinVar aggregate classification (germline): Uncertain significance (1 of 4 stars; one submission).

Allele frequency attached by ClinVar (database versions not stated): gnomAD 0.00001; TOPMed 0.00001.
gnomAD v4.1: 19 of 1,609,674 alleles (0.0012%); highest among the groups gnomAD compares: Admixed American, 0.0084%; no homozygotes.

Submission:

Labcorp Genetics (formerly Invitae), Labcorp
Classification: Uncertain significance. Last evaluated: 2024-12-16. Review status: criteria provided, single submitter. Criteria: Invitae Variant Classification Sherloc (09022015). Collection method: clinical testing. Allele origin: germline.
Comment: This sequence change replaces threonine, which is neutral and polar, with methionine, which is neutral and non-polar, at codon 860 of the ADAMTSL4 protein (p.Thr860Met). This variant is present in population databases (no rsID available, gnomAD 0.01%). This variant has not been reported in the literature in individuals affected with ADAMTSL4-related conditions. ClinVar contains an entry for this variant (Variation ID: 1910831). Invitae Evidence Modeling of protein sequence and biophysical properties (such as structural, functional, and spatial information, amino acid conservation, physicochemical variation, residue mobility, and thermodynamic stability) indicates that this missense variant is not expected to disrupt ADAMTSL4 protein function with a negative predictive value of 80%. In summary, the available evidence is currently insufficient to determine the role of this variant in disease. Therefore, it has been classified as a Variant of Uncertain Significance.

NM_019032.6(ADAMTSL4):c.2579C>T (p.Thr860Met)

Gene: ADAMTSL4 (ADAMTS like 4; plus strand). Cytogenetic location: 1q21.2.
Variant type: single nucleotide variant.
Coding change: c.2579C>T on transcript NM_019032.6 (MANE Select); coding-DNA position 2579, C replaced by T.
Protein change: p.Thr860Met; replaces threonine 860 with methionine.
Molecular consequence: missense variant.
Genome position (GRCh38, 1-based): chr1:150,558,981, C>T. VCF-style: chr1-150558981-C-T. GRCh37 (hg19) VCF-style: chr1-150531457-C-T.
Other names: c.2462C>T, p.Thr821Met (NM_001288607.2); c.2648C>T, p.Thr883Met (NM_001288608.2); c.2579C>T, p.Thr860Met (NM_001378596.1); short protein forms T821M, T860M, T883M.
Identifiers: ClinVar variation 1910831 (VCV001910831.5), dbSNP rs760559771, ClinGen allele CA342315682.